The following is an entry in ClinVar:

NM_000218.3(KCNQ1):c.162C>T (p.Ile54=)

Gene: KCNQ1 (potassium voltage-gated channel subfamily Q member 1; plus strand). Cytogenetic location: 11p15.5.
Variant type: single nucleotide variant.
Coding change: c.162C>T on transcript NM_000218.3 (MANE Select); coding-DNA position 162, C replaced by T.
Protein change: p.Ile54=; no amino-acid change (isoleucine 54 retained).
Molecular consequence: synonymous variant. On other transcripts: 5 prime UTR variant (1).
Genome position (GRCh38, 1-based): chr11:2,445,260, C>T. VCF-style: chr11-2445260-C-T. GRCh37 (hg19) VCF-style: chr11-2466490-C-T.
Other names: c.162C>T, p.Ile54= (NM_001406836.1, NM_001406838.1); c.-201C>T (NM_001406837.1).
Identifiers: ClinVar variation 3252616 (VCV003252616.2), dbSNP rs2496741590.
Genomic context (GRCh38, chr11:2,445,260, plus strand): 5'-CCCCTTCTCGCTGGAGCTGGCGGAGGGCGGCCCGGCGGGCGGCGCGCTCTACGCGCCCAT[C>T]GCGCCCGGCGCCCCAGGTCCCGCGCCCCCTGCGTCCCCGGCCGCGCCCGCCGCGCCCCCA-3'
Protein context (NP_000209.2, residues 44-64): GPAGGALYAP[Ile54=]APGAPGPAPP

ClinVar aggregate classification (germline): Conflicting classifications of pathogenicity. Review status: criteria provided, conflicting classifications (1 of 4 stars). 2 submissions from 2 submitters: Uncertain significance (1); Likely benign (1). Last evaluated 2024-07-11.

Conditions:
Cardiovascular phenotype. Identifiers: MedGen CN230736.

Submissions (2):

Ambry Genetics
Classification: Likely benign for Cardiovascular phenotype. Last evaluated: 2024-07-11. Review status: criteria provided, single submitter. Criteria: Ambry Variant Classification Scheme 2023. Collection method: clinical testing. Allele origin: germline.

GeneDx
Classification: Uncertain significance. Last evaluated: 2023-04-27. Review status: criteria provided, single submitter. Criteria: GeneDx Variant Classification Process June 2021. Collection method: clinical testing. Allele origin: germline. Affected: yes.
Comment: Has not been previously published as pathogenic or benign to our knowledge; Not observed at significant frequency in large population cohorts (gnomAD); In silico analysis supports that this variant does not alter splicing